The following is an entry in ClinVar:

NM_006019.4(TCIRG1):c.2214G>A (p.Trp738Ter)

Gene: TCIRG1 (T cell immune regulator 1, ATPase H+ transporting V0 subunit a3; plus strand). Cytogenetic location: 11q13.2.
Variant type: single nucleotide variant.
Coding change: c.2214G>A on transcript NM_006019.4 (MANE Select); coding-DNA position 2214, G replaced by A.
Protein change: p.Trp738Ter; replaces tryptophan 738 with a stop codon.
Molecular consequence: nonsense.
Genome position (GRCh38, 1-based): chr11:68,050,232, G>A. VCF-style: chr11-68050232-G-A. GRCh37 (hg19) VCF-style: chr11-67817699-G-A.
Other names: c.1320G>A, p.Trp440Ter (NM_001351059.2); c.1566G>A, p.Trp522Ter (NM_006053.4); short protein forms W522*, W738*, W440*.
Identifiers: ClinVar variation 2805158 (VCV002805158.3), dbSNP rs1855732540, ClinGen allele CA381590698.

ClinVar aggregate classification (germline): Pathogenic (1 of 4 stars; one submission).

Allele frequency attached by ClinVar (database versions not stated): TOPMed below 0.00001.

Submission:

Labcorp Genetics (formerly Invitae), Labcorp
Classification: Pathogenic. Last evaluated: 2023-03-07. Review status: criteria provided, single submitter. Criteria: Invitae Variant Classification Sherloc (09022015). Collection method: clinical testing. Allele origin: germline.
Comment: For these reasons, this variant has been classified as Pathogenic. Algorithms developed to predict the effect of sequence changes on RNA splicing suggest that this variant may create or strengthen a splice site. This variant has not been reported in the literature in individuals affected with TCIRG1-related conditions. This variant is not present in population databases (gnomAD no frequency). This sequence change creates a premature translational stop signal (p.Trp738*) in the TCIRG1 gene. It is expected to result in an absent or disrupted protein product. Loss-of-function variants in TCIRG1 are known to be pathogenic (PMID: 10888887, 10942435, 11532986, 19448635).

Literature cited by the submitters: PubMed 10888887; PubMed 10942435; PubMed 11532986; PubMed 19448635.